The following is an entry in ClinVar:

NM_000098.3(CPT2):c.1520T>G (p.Val507Gly)

Gene: CPT2 (carnitine palmitoyltransferase 2; plus strand). Cytogenetic location: 1p32.3.
Variant type: single nucleotide variant.
Coding change: c.1520T>G on transcript NM_000098.3 (MANE Select); coding-DNA position 1520, T replaced by G.
Protein change: p.Val507Gly; replaces valine 507 with glycine.
Molecular consequence: missense variant.
Genome position (GRCh38, 1-based): chr1:53,211,194, T>G. VCF-style: chr1-53211194-T-G. GRCh37 (hg19) VCF-style: chr1-53676866-T-G.
Other names: c.1520T>G, p.Val507Gly (NM_001330589.2); short protein forms V507G.
Identifiers: ClinVar variation 1508810 (VCV001508810.3), dbSNP rs1228724988, ClinGen allele CA340396669.

ClinVar aggregate classification (germline): Uncertain significance (1 of 4 stars; one submission).

Conditions:
Carnitine palmitoyltransferase II deficiency. Also called: Carnitine Palmitoyltransferase 2 Deficiency. Identifiers: Orphanet 157, MedGen C0342790, MONDO:0015515.

gnomAD v4.1: 2 of 1,609,004 alleles (0.00012%); highest among the groups gnomAD compares: Non-Finnish European, 0.00017%; no homozygotes.

Submission:

Labcorp Genetics (formerly Invitae), Labcorp
Classification: Uncertain significance for Carnitine palmitoyltransferase II deficiency. Last evaluated: 2021-10-13. Review status: criteria provided, single submitter. Criteria: Invitae Variant Classification Sherloc (09022015). Collection method: clinical testing. Allele origin: germline.
Comment: This sequence change replaces valine with glycine at codon 507 of the CPT2 protein (p.Val507Gly). The valine residue is weakly conserved and there is a moderate physicochemical difference between valine and glycine. This variant is not present in population databases (ExAC no frequency). This variant has not been reported in the literature in individuals with CPT2-related conditions. Advanced modeling of protein sequence and biophysical properties (such as structural, functional, and spatial information, amino acid conservation, physicochemical variation, residue mobility, and thermodynamic stability) performed at Invitae indicates that this missense variant is not expected to disrupt CPT2 protein function. In summary, the available evidence is currently insufficient to determine the role of this variant in disease. Therefore, it has been classified as a Variant of Uncertain Significance.